The following is an entry in ClinVar:

ClinVar aggregate classification (germline): Pathogenic (1 of 4 stars; one submission).

Submission:

Quest Diagnostics Nichols Institute San Juan Capistrano
Classification: Pathogenic. Last evaluated: 2024-01-13. Review status: criteria provided, single submitter. Criteria: ACMG/ClinGen CNV Guidelines, 2019. Collection method: clinical testing. Allele origin: unknown.
Comment: This loss involves multiple protein-coding genes and lies within the region associated with an emerging 13q34 deletion syndrome. Patients with deletions contained within this interval have been reported with various phenotypes (Amenta 2023, Firth 2009, Reinstein 2016, Sagi-Dain 2019, Yang 2013). There are no similar copy number losses of this region in the general populations of the Database of Genomic Variants. Thus, based on current medical literature and gene count, this copy number variant (CNV) is classified as pathogenic. References: Amenta et al., Eur J Hum Genet. 2023 Jun;31(6):648-653. PMID: 36797464; Firth et al., Am J Hum Genet. 2009 Apr;84(4):524-33. PMID: 19344873;Reinstein et al., Mol Genet Metab. 2016 May;118(1):60-3. PMID: 27067448; Sagi-Dain et al., Hum Genet. 2019 Oct;138(10):1145-1153. PMID: 31321490; Yang et al., Gene. 2013 Oct 1;528(1):51-4. PMID: 23639964

GRCh37/hg19 13q34(chr13:112014531-115107733)x1

Genes: ADPRHL1 (ADP-ribosylhydrolase like 1; minus strand), ATP11A (ATPase phospholipid transporting 11A; plus strand), ATP11AUN (ATP11A upstream neighbor lncRNA; plus strand), ATP4B (ATPase H+/K+ transporting subunit beta; minus strand), CDC16 (cell division cycle 16; plus strand) and 20 more. Cytogenetic location: 13q34.
Variant type: copy number loss.
Change: copy number 1 (one copy instead of two) of chr13:112,014,531-115,107,733 (3.09 Mb, GRCh37 coordinates, 1-based), cytogenetic band 13q34.
Identifiers: ClinVar variation 3391921 (VCV003391921.1).